The following is an entry in ClinVar:

ClinVar aggregate classification (germline): Uncertain significance. Review status: criteria provided, multiple submitters, no conflicts (2 of 4 stars). 2 submissions from 2 submitters: Uncertain significance (2). Last evaluated 2023-09-28.

Conditions:
Dilated cardiomyopathy 1JJ (CMD1JJ). Identifiers: Orphanet 154, MedGen C3808935, MONDO:0014095, OMIM 615235.
Cardiovascular phenotype. Identifiers: MedGen CN230736.

Allele frequency attached by ClinVar (database versions not stated): gnomAD exomes below 0.00001 and 0.00001; ExAC 0.00001; gnomAD 0.00001; TOPMed 0.00001.
gnomAD v4.1: 2 of 1,613,416 alleles (0.00012%); highest among the groups gnomAD compares: Non-Finnish European, 0.000085%; no homozygotes.

Submissions (2):

Ambry Genetics
Classification: Uncertain significance for Cardiovascular phenotype. Last evaluated: 2023-09-28. Review status: criteria provided, single submitter. Criteria: Ambry Variant Classification Scheme 2023. Collection method: clinical testing. Allele origin: germline.
Comment: The p.K1410E variant (also known as c.4228A>G), located in coding exon 30 of the LAMA4 gene, results from an A to G substitution at nucleotide position 4228. The lysine at codon 1410 is replaced by glutamic acid, an amino acid with similar properties. This amino acid position is conserved. In addition, this alteration is predicted to be tolerated by in silico analysis. Since supporting evidence is limited at this time, the clinical significance of this alteration remains unclear.

Labcorp Genetics (formerly Invitae), Labcorp
Classification: Uncertain significance for Dilated cardiomyopathy 1JJ. Last evaluated: 2022-03-09. Review status: criteria provided, single submitter. Criteria: Invitae Variant Classification Sherloc (09022015). Collection method: clinical testing. Allele origin: germline.
Comment: ClinVar contains an entry for this variant (Variation ID: 1014433). This variant has not been reported in the literature in individuals affected with LAMA4-related conditions. This variant is present in population databases (rs782167326, gnomAD 0.02%). This sequence change replaces lysine, which is basic and polar, with glutamic acid, which is acidic and polar, at codon 1410 of the LAMA4 protein (p.Lys1410Glu). Algorithms developed to predict the effect of missense changes on protein structure and function are either unavailable or do not agree on the potential impact of this missense change (SIFT: "Deleterious"; PolyPhen-2: "Possibly Damaging"; Align-GVGD: "Class C0"). In summary, the available evidence is currently insufficient to determine the role of this variant in disease. Therefore, it has been classified as a Variant of Uncertain Significance.

NM_001105206.3(LAMA4):c.4249A>G (p.Lys1417Glu)

Gene: LAMA4 (laminin subunit alpha 4; minus strand). Cytogenetic location: 6q21.
Variant type: single nucleotide variant.
Coding change: c.4249A>G on transcript NM_001105206.3 (MANE Select); coding-DNA position 4249, A replaced by G.
Protein change: p.Lys1417Glu; replaces lysine 1417 with glutamic acid.
Molecular consequence: missense variant.
Genome position (GRCh38, 1-based): chr6:112,128,960, T>C on the plus strand (A>G on the coding strand, the complement: LAMA4 is on the minus strand). VCF-style: chr6-112128960-T-C. GRCh37 (hg19) VCF-style: chr6-112450162-T-C.
Other names: c.4228A>G, p.Lys1410Glu (NM_001105207.3, NM_002290.5); c.4228A>G (NM_002290.3); short protein forms K1410E, K1417E.
Identifiers: ClinVar variation 1014433 (VCV001014433.11), dbSNP rs782167326, ClinGen allele CA3965025.